The following is an entry in ClinVar:

NM_003803.4(MYOM1):c.770_771del (p.Thr257fs)

Gene: MYOM1 (myomesin 1; minus strand). Cytogenetic location: 18p11.31.
Variant type: Deletion.
Coding change: c.770_771del on transcript NM_003803.4 (MANE Select); coding-DNA positions 770 to 771, 2 bases deleted (CA; older notation c.770_771delCA).
Protein change: p.Thr257fs; shifts the reading frame from threonine 257.
Molecular consequence: frameshift variant.
Genome position (GRCh38, 1-based): chr18:3,188,748-3,188,749, TG deleted on the plus strand (CA on the coding strand, the reverse complement: MYOM1 is on the minus strand); deleting any 2 consecutive bases within chr18:3,188,748-3,188,750 gives the same sequence; the c. name uses the placement nearest the transcript's 3' end. VCF-style (leftmost placement, unchanged base first): chr18-3188747-CTG-C. GRCh37 (hg19) VCF-style: chr18-3188745-CTG-C.
Other names: c.770_771del, p.Thr257fs (NM_019856.2); c.770_771delCA (NM_003803.3); short protein forms T257fs.
Identifiers: ClinVar variation 640827 (VCV000640827.6), dbSNP rs1598754120, ClinGen allele CA915952269.

ClinVar aggregate classification (germline): Uncertain significance (1 of 4 stars; one submission).

Conditions:
Hypertrophic cardiomyopathy. Also called: HYPERTROPHIC MYOCARDIOPATHY. Identifiers: Orphanet 217569, MedGen C0007194, MeSH D002312, MONDO:0005045, HP:0001639.

Submission:

Labcorp Genetics (formerly Invitae), Labcorp
Classification: Uncertain significance for Hypertrophic cardiomyopathy. Last evaluated: 2018-11-20. Review status: criteria provided, single submitter. Criteria: Invitae Variant Classification Sherloc (09022015). Collection method: clinical testing. Allele origin: germline.
Comment: This variant is not present in population databases (ExAC no frequency). In summary, the available evidence is currently insufficient to determine the role of this variant in disease. Therefore, it has been classified as a Variant of Uncertain Significance. The current clinical and genetic evidence is not sufficient to establish whether loss-of-function variants in MYOM1 cause disease. This variant has not been reported in the literature in individuals with MYOM1-related disease. This sequence change creates a premature translational stop signal (p.Thr257Ilefs*13) in the MYOM1 gene. It is expected to result in an absent or disrupted protein product.